The following is an entry in ClinVar:

ClinVar aggregate classification (germline): Pathogenic. Review status: criteria provided, multiple submitters, no conflicts (2 of 4 stars). 2 submissions from 2 submitters: Pathogenic (2). Last evaluated 2024-12-17.

Conditions:
Angelman syndrome-like. Identifiers: MedGen CN128785.
Developmental and epileptic encephalopathy, 2 (DEE2). Also called: INFANTILE SPASM SYNDROME, X-LINKED 2; CDKL5 deficiency disorder. Identifiers: Orphanet 1934, Orphanet 3451, Orphanet 505652, MedGen C4750718, MONDO:0010396, OMIM 300672.
CDKL5 disorder. Identifiers: MedGen CN296942, MONDO:0100039.

Submissions (2):

Centre for Population Genomics, CPG
Classification: Pathogenic for CDKL5 disorder. Last evaluated: 2024-12-17. Review status: criteria provided, single submitter. Criteria: McKnight et al. (Hum Mutat. 2022). Collection method: curation. Allele origin: germline. Inheritance: X-linked inheritance.
Comment: This variant has been collected from RettBASE and curated to current modified ACMG/AMP criteria. Based on the classification scheme defined by the ClinGen Rett/Angelman-like Expert Panel for Rett/AS-like Disorders Specifications to the ACMG/AMP Variant Interpretation Guidelines VCEP 3.0, this variant is classified as pathogenic. At least the following criteria are met: Predicted to result in loss of function, and LOF is a known mechanism of disease (PVS1). This variant has been identified as a de novo occurrence in an individual with CDKL5 disorder without confirmation of paternity and maternity (PM6, PMID: 36553250). This variant is absent from gnomAD (PM2_Supporting).

Labcorp Genetics (formerly Invitae), Labcorp
Classification: Pathogenic for Developmental and epileptic encephalopathy, 2; Angelman syndrome-like. Last evaluated: 2021-09-01. Review status: criteria provided, single submitter. Criteria: Invitae Variant Classification Sherloc (09022015). Collection method: clinical testing. Allele origin: germline.

NM_001323289.2(CDKL5):c.513C>G (p.Tyr171Ter)

Gene: CDKL5 (cyclin dependent kinase like 5; plus strand). Cytogenetic location: Xp22.13.
Variant type: single nucleotide variant.
Coding change: c.513C>G on transcript NM_001323289.2 (MANE Select); coding-DNA position 513, C replaced by G.
Protein change: p.Tyr171Ter; replaces tyrosine 171 with a stop codon.
Molecular consequence: nonsense.
Genome position (GRCh38, 1-based): chrX:18,584,312, C>G. VCF-style: chrX-18584312-C-G. GRCh37 (hg19) VCF-style: chrX-18602432-C-G.
Other names: NM_001323289.2(CDKL5):c.513C>G; p.Tyr171Ter; c.513C>G, p.Tyr171Ter (NM_001037343.2, NM_003159.3); short protein forms Y171*.
Identifiers: ClinVar variation 1072862 (VCV001072862.4), dbSNP rs267608490, ClinGen allele CA412352405.